The following is an entry in ClinVar:

NM_001044385.3(TMEM237):c.1192C>T (p.Pro398Ser)

Gene: TMEM237 (transmembrane protein 237; minus strand). Cytogenetic location: 2q33.1.
Variant type: single nucleotide variant.
Coding change: c.1192C>T on transcript NM_001044385.3 (MANE Select); coding-DNA position 1192, C replaced by T.
Protein change: p.Pro398Ser; replaces proline 398 with serine.
Molecular consequence: missense variant.
Genome position (GRCh38, 1-based): chr2:201,624,290, G>A on the plus strand (C>T on the coding strand, the complement: TMEM237 is on the minus strand). VCF-style: chr2-201624290-G-A. GRCh37 (hg19) VCF-style: chr2-202489013-G-A.
Other names: c.1168C>T, p.Pro390Ser (NM_152388.4); short protein forms P390S, P398S.
Identifiers: ClinVar variation 834489 (VCV000834489.9), dbSNP rs1957737864, ClinGen allele CA350303304.

ClinVar aggregate classification (germline): Uncertain significance (1 of 4 stars; one submission).

Conditions:
Joubert syndrome 14 (JBTS14). Identifiers: MedGen C3280766, MONDO:0013745, OMIM 614424.

Allele frequency attached by ClinVar (database versions not stated): gnomAD exomes below 0.00001.
gnomAD v4.1: 2 of 1,612,206 alleles (0.00012%); highest among the groups gnomAD compares: Non-Finnish European, 0.00017%; no homozygotes.

Submission:

Labcorp Genetics (formerly Invitae), Labcorp
Classification: Uncertain significance for Joubert syndrome 14. Last evaluated: 2019-11-18. Review status: criteria provided, single submitter. Criteria: Invitae Variant Classification Sherloc (09022015). Collection method: clinical testing. Allele origin: germline.
Comment: This sequence change replaces proline with serine at codon 398 of the TMEM237 protein (p.Pro398Ser). The proline residue is highly conserved and there is a moderate physicochemical difference between proline and serine. In summary, the available evidence is currently insufficient to determine the role of this variant in disease. Therefore, it has been classified as a Variant of Uncertain Significance. Algorithms developed to predict the effect of missense changes on protein structure and function are either unavailable or do not agree on the potential impact of this missense change (SIFT: "Deleterious"; PolyPhen-2: "Possibly Damaging"; Align-GVGD: "Class C0"). This variant has not been reported in the literature in individuals with TMEM237-related conditions. This variant is not present in population databases (ExAC no frequency).